The following is an entry in ClinVar:

NM_006063.3(KLHL41):c.1276A>G (p.Lys426Glu)

Gene: KLHL41 (kelch like family member 41; plus strand). Cytogenetic location: 2q31.1.
Variant type: single nucleotide variant.
Coding change: c.1276A>G on transcript NM_006063.3 (MANE Select); coding-DNA position 1276, A replaced by G.
Protein change: p.Lys426Glu; replaces lysine 426 with glutamic acid.
Molecular consequence: missense variant.
Genome position (GRCh38, 1-based): chr2:169,514,861, A>G. VCF-style: chr2-169514861-A-G. GRCh37 (hg19) VCF-style: chr2-170371371-A-G.
Other names: short protein forms K426E.
Identifiers: ClinVar variation 474864 (VCV000474864.7), dbSNP rs750512280, ClinGen allele CA1956647.
Genomic context (GRCh38, chr2:169,514,861, plus strand): 5'-TCAGAACCTGGAATTTACTGAAGGTATATAAATTCTGTCTCGTTTAATTTTAGGGCTGCA[A>G]AATGGAACGAAGTAAAAAAACTCCCTATCAAAGTCTATGGCCATAATGTGATTTCACATA-3'
Protein context (NP_006054.2, residues 416-436): SVLCYDPVAA[Lys426Glu]WNEVKKLPIK

ClinVar aggregate classification (germline): Uncertain significance (1 of 4 stars; one submission).

Conditions:
Nemaline myopathy 9 (NEM9). Identifiers: MedGen C3810384, MONDO:0014326, OMIM 615731.

Allele frequency attached by ClinVar (database versions not stated): gnomAD exomes below 0.00001; ExAC 0.00001.
gnomAD v4.1: 2 of 1,603,862 alleles (0.00012%); highest among the groups gnomAD compares: Non-Finnish European, 0.00017%; no homozygotes.

Submission:

Labcorp Genetics (formerly Invitae), Labcorp
Classification: Uncertain significance for Nemaline myopathy 9. Last evaluated: 2021-08-30. Review status: criteria provided, single submitter. Criteria: Invitae Variant Classification Sherloc (09022015). Collection method: clinical testing. Allele origin: germline.
Comment: This sequence change replaces lysine with glutamic acid at codon 426 of the KLHL41 protein (p.Lys426Glu). The lysine residue is highly conserved and there is a small physicochemical difference between lysine and glutamic acid. This variant is present in population databases (rs750512280, ExAC 0.002%). This variant has not been reported in the literature in individuals affected with KLHL41-related conditions. Algorithms developed to predict the effect of missense changes on protein structure and function (SIFT, PolyPhen-2, Align-GVGD) all suggest that this variant is likely to be tolerated. In summary, the available evidence is currently insufficient to determine the role of this variant in disease. Therefore, it has been classified as a Variant of Uncertain Significance.